The following is an entry in ClinVar:

NM_001130987.2(DYSF):c.3747T>G (p.His1249Gln)

Gene: DYSF (dysferlin; plus strand). Cytogenetic location: 2p13.2.
Variant type: single nucleotide variant.
Coding change: c.3747T>G on transcript NM_001130987.2 (MANE Select); coding-DNA position 3747, T replaced by G.
Protein change: p.His1249Gln; replaces histidine 1249 with glutamine.
Molecular consequence: missense variant.
Genome position (GRCh38, 1-based): chr2:71,598,736, T>G. VCF-style: chr2-71598736-T-G. GRCh37 (hg19) VCF-style: chr2-71825866-T-G.
Other names: c.3696T>G, p.His1232Gln (NM_001130455.2, NM_001130983.2); c.3651T>G, p.His1217Gln (NM_001130976.2, NM_001130977.2); c.3693T>G, p.His1231Gln (NM_001130978.2, NM_003494.4); c.3786T>G, p.His1262Gln (NM_001130979.2); c.3744T>G, p.His1248Gln (NM_001130980.2, NM_001130981.2); c.3789T>G, p.His1263Gln (NM_001130982.2); c.3654T>G, p.His1218Gln (NM_001130984.2, NM_001130986.2); c.3747T>G, p.His1249Gln (NM_001130985.2); short protein forms H1217Q, H1231Q, H1218Q, H1248Q, H1249Q, H1232Q, H1262Q, H1263Q.
Identifiers: ClinVar variation 662062 (VCV000662062.8), dbSNP rs747606668, ClinGen allele CA1706681.

ClinVar aggregate classification (germline): Uncertain significance. Review status: criteria provided, multiple submitters, no conflicts (2 of 4 stars). 4 submissions from 4 submitters: Uncertain significance (3). 1 of the submissions does not count toward it. Last evaluated 2024-11-13.

Conditions:
Neuromuscular disease caused by qualitative or quantitative defects of dysferlin. Also called: Dysferlinopathy; Qualitative or quantitative defects of dysferlin. Identifiers: Orphanet 207073, MedGen C2931687, MONDO:0016145.
Autosomal recessive limb-girdle muscular dystrophy type 2B (LGMDR2). Also called: Limb-Girdle Muscular Dystrophy Type 2B (LGMD2B); MUSCULAR DYSTROPHY, LIMB-GIRDLE, TYPE 3; Limb-girdle muscular dystrophy, type 2B; MUSCULAR DYSTROPHY, LIMB-GIRDLE, AUTOSOMAL RECESSIVE 2. Identifiers: Orphanet 268, MedGen C1850889, MONDO:0009676, OMIM 253601.

Allele frequency attached by ClinVar (database versions not stated): TOPMed 0.00002; ExAC 0.00001; gnomAD 0.00001.
gnomAD v4.1: 9 of 1,612,442 alleles (0.00056%); highest among the groups gnomAD compares: Admixed American, 0.0083%; no homozygotes.

Submissions (4):

Blueprint Genetics
Classification: Uncertain significance. Last evaluated: 2024-11-13. Review status: criteria provided, single submitter. Criteria: ACMG Guidelines, 2015. Collection method: clinical testing. Allele origin: germline.

Revvity Omics, Revvity
Classification: Uncertain significance. Last evaluated: 2023-03-14. Review status: criteria provided, single submitter. Criteria: ACMG Guidelines, 2015. Collection method: clinical testing. Allele origin: germline.

Labcorp Genetics (formerly Invitae), Labcorp
Classification: Uncertain significance for Neuromuscular disease caused by qualitative or quantitative defects of dysferlin. Last evaluated: 2021-10-15. Review status: criteria provided, single submitter. Criteria: Invitae Variant Classification Sherloc (09022015). Collection method: clinical testing. Allele origin: germline.
Comment: This sequence change replaces histidine with glutamine at codon 1231 of the DYSF protein (p.His1231Gln). The histidine residue is moderately conserved and there is a small physicochemical difference between histidine and glutamine. This variant is present in population databases (rs747606668, ExAC 0.002%). This variant has not been reported in the literature in individuals affected with DYSF-related conditions. Algorithms developed to predict the effect of missense changes on protein structure and function (SIFT, PolyPhen-2, Align-GVGD) all suggest that this variant is likely to be tolerated. In summary, the available evidence is currently insufficient to determine the role of this variant in disease. Therefore, it has been classified as a Variant of Uncertain Significance.

Natera, Inc.
Classification: Uncertain significance for Limb-girdle muscular dystrophy type 2B. Last evaluated: 2020-03-10. Review status: no assertion criteria provided. Collection method: clinical testing. Allele origin: germline. Not counted in ClinVar's aggregate classification.